The following is an entry in ClinVar:

NM_001040142.2(SCN2A):c.*557G>A

Gene: SCN2A (sodium voltage-gated channel alpha subunit 2; plus strand). Cytogenetic location: 2q24.3.
Variant type: single nucleotide variant.
Coding change: c.*557G>A on transcript NM_001040142.2 (MANE Select); 557 bases downstream of the stop codon, G replaced by A.
Molecular consequence: 3 prime UTR variant.
Genome position (GRCh38, 1-based): chr2:165,390,381, G>A. VCF-style: chr2-165390381-G-A. GRCh37 (hg19) VCF-style: chr2-166246891-G-A.
Other names: c.*557G>A (NM_001040143.2, NM_001371246.1, NM_001371247.1 and 1 more transcripts).
Identifiers: ClinVar variation 331748 (VCV000331748.5), dbSNP rs182846824, ClinGen allele CA10612420.

ClinVar aggregate classification (germline): Benign (1 of 4 stars; one submission).

Conditions:
Seizures, benign familial infantile, 3 (BFIS3). Also called: CONVULSIONS, BENIGN FAMILIAL INFANTILE, 3; Familial neonatal seizures. Identifiers: Orphanet 140927, Orphanet 306, MedGen C1843140, MONDO:0011904, OMIM 607745.

Allele frequency attached by ClinVar (database versions not stated): gnomAD exomes 0.00215; gnomAD 0.00235 and 0.00239; 1000 Genomes Project 0.00260; 1000 Genomes Project 30x 0.00265; TOPMed 0.00313.
gnomAD v4.1: 362 of 153,074 alleles (0.24%); highest among the groups gnomAD compares: Admixed American, 0.76%; 3 homozygotes.

Submission:

Illumina Laboratory Services, Illumina
Classification: Benign for Seizures, benign familial infantile, 3. Last evaluated: 2018-01-13. Review status: criteria provided, single submitter. Criteria: ICSL Variant Classification Criteria 13 December 2019. Collection method: clinical testing. Allele origin: germline.
Comment: This variant was observed in the ICSL laboratory as part of a predisposition screen in an ostensibly healthy population. It had not been previously curated by ICSL or reported in the Human Gene Mutation Database (HGMD: prior to June 1st, 2018), and was therefore a candidate for classification through an automated scoring system. Utilizing variant allele frequency, disease prevalence and penetrance estimates, and inheritance mode, an automated score was calculated to assess if this variant is too frequent to cause the disease. Based on the score and internal cut-off values, a variant classified as benign is not then subjected to further curation. The score for this variant resulted in a classification of benign for this disease.